The following is an entry in ClinVar:

NM_001197104.2(KMT2A):c.640G>A (p.Asp214Asn)

Gene: KMT2A (lysine methyltransferase 2A; plus strand). Cytogenetic location: 11q23.3.
Variant type: single nucleotide variant.
Coding change: c.640G>A on transcript NM_001197104.2 (MANE Select); coding-DNA position 640, G replaced by A.
Protein change: p.Asp214Asn; replaces aspartic acid 214 with asparagine.
Molecular consequence: missense variant.
Genome position (GRCh38, 1-based): chr11:118,471,799, G>A. VCF-style: chr11-118471799-G-A. GRCh37 (hg19) VCF-style: chr11-118342514-G-A.
Other names: c.739G>A, p.Asp247Asn (NM_001412597.1); c.640G>A, p.Asp214Asn (NM_005933.4); short protein forms D214N, D247N.
Identifiers: ClinVar variation 4800515 (VCV004800515.1).
Genomic context (GRCh38, chr11:118,471,799, plus strand): 5'-TCTGTGTTTTCCCCTCTAAATAAATCAGAGACCAAATCTGGAGATAAGATCAAGAAGAAA[G>A]ATTCTAAAAGTATAGAAAAGAAGAGAGGAAGACCTCCCACCTTCCCTGGAGTAAAAATCA-3'
Protein context (NP_001184033.1, residues 204-224): TKSGDKIKKK[Asp214Asn]SKSIEKKRGR

ClinVar aggregate classification (germline): Uncertain significance (1 of 4 stars; one submission).

Submission:

Labcorp Genetics (formerly Invitae), Labcorp
Classification: Uncertain significance. Last evaluated: 2025-12-09. Review status: criteria provided, single submitter. Criteria: Invitae Variant Classification Sherloc (09022015). Collection method: clinical testing. Allele origin: germline.
Comment: This sequence change replaces aspartic acid, which is acidic and polar, with asparagine, which is neutral and polar, at codon 214 of the KMT2A protein (p.Asp214Asn). This variant is not present in population databases (gnomAD no frequency). This variant has not been reported in the literature in individuals affected with KMT2A-related conditions. Invitae Evidence Modeling of protein sequence and biophysical properties (such as structural, functional, and spatial information, amino acid conservation, physicochemical variation, residue mobility, and thermodynamic stability) indicates that this missense variant is not expected to disrupt KMT2A protein function with a negative predictive value of 95%. In summary, the available evidence is currently insufficient to determine the role of this variant in disease. Therefore, it has been classified as a Variant of Uncertain Significance.